The following is an entry in ClinVar:

ClinVar aggregate classification (germline): Likely pathogenic (1 of 4 stars; one submission).

Conditions:
Polycystic kidney disease 8. Identifiers: MedGen C5935640, MONDO:0971178, OMIM 620903.

Submission:

Laboratorio de Genética, Hospital Universitario Reina Sofía
Classification: Likely pathogenic for Polycystic kidney disease 8. Review status: criteria provided, single submitter. Criteria: ACMG Guidelines, 2015. Collection method: clinical testing. Allele origin: unknown. Affected: yes. Observed: 2 variant alleles.
Comment: NM_178170.3(NEK8):c.207C>A is classified as a Likely Patogenic. The variant meets PM2 (Moderate) based on rarity in population databases. Segregation analysis shows the variant is present in the affected father and the affected daughter and absent in the unaffected mother, providing limited cosegregation evidence (PP1_supporting).

NM_178170.3(NEK8):c.207C>A (p.Asn69Lys)

Gene: NEK8 (NIMA related kinase 8; plus strand). Cytogenetic location: 17q11.2.
Variant type: single nucleotide variant.
Coding change: c.207C>A on transcript NM_178170.3 (MANE Select); coding-DNA position 207, C replaced by A.
Protein change: p.Asn69Lys; replaces asparagine 69 with lysine.
Molecular consequence: missense variant.
Genome position (GRCh38, 1-based): chr17:28,734,142, C>A. VCF-style: chr17-28734142-C-A. GRCh37 (hg19) VCF-style: chr17-27061160-C-A.
Other names: short protein forms N69K.
Identifiers: ClinVar variation 5021112 (VCV005021112.1).